The following is an entry in ClinVar:

ClinVar aggregate classification (germline): Pathogenic/Likely pathogenic. Review status: criteria provided, multiple submitters, no conflicts (2 of 4 stars). 2 submissions from 2 submitters: Pathogenic (1); Likely pathogenic (1). Last evaluated 2024-03-02.

Conditions:
Autosomal recessive nonsyndromic hearing loss 23. Identifiers: Orphanet 90636, MedGen C1836027, MONDO:0012293, OMIM 609533.

Submissions (2):

Baylor Genetics
Classification: Likely pathogenic for Autosomal recessive nonsyndromic hearing loss 23. Last evaluated: 2024-03-02. Review status: criteria provided, single submitter. Criteria: ACMG Guidelines, 2015. Collection method: clinical testing. Allele origin: unknown.

Labcorp Genetics (formerly Invitae), Labcorp
Classification: Pathogenic. Last evaluated: 2021-03-20. Review status: criteria provided, single submitter. Criteria: Invitae Variant Classification Sherloc (09022015). Collection method: clinical testing. Allele origin: germline.
Comment: For these reasons, this variant has been classified as Pathogenic. This variant disrupts the C-terminus of the PCDH15 protein. Other variant(s) that disrupt this region (p.Gln1576*) have been determined to be pathogenic (PMID: 28281779). This suggests that variants that disrupt this region of the protein are likely to be causative of disease. This variant has not been reported in the literature in individuals with PCDH15-related conditions. This variant is not present in population databases (ExAC no frequency). This sequence change creates a premature translational stop signal (p.Gly1452Thrfs*20) in the PCDH15 gene. While this is not anticipated to result in nonsense mediated decay, it is expected to disrupt the last 504 amino acid(s) of the PCDH15 protein.

Literature cited by the submitters: PubMed 28281779 (cited by Labcorp Genetics (formerly Invitae), Labcorp).

NM_001384140.1(PCDH15):c.4349_4352dup (p.Gly1452fs)

Gene: PCDH15 (protocadherin related 15; minus strand). Cytogenetic location: 10q21.1.
Variant type: Duplication.
Coding change: c.4349_4352dup on transcript NM_001384140.1 (MANE Select); coding-DNA positions 4349 to 4352, 4 bases duplicated (AACT; older notation c.4349_4352dupAACT).
Protein change: p.Gly1452fs; shifts the reading frame from glycine 1452.
Molecular consequence: frameshift variant.
Genome position (GRCh38, 1-based): chr10:53,827,408-53,827,411, AGTT duplicated on the plus strand (AACT on the coding strand, the reverse complement: PCDH15 is on the minus strand). VCF-style (leftmost placement, unchanged base first): chr10-53827407-A-AAGTT. GRCh37 (hg19) VCF-style: chr10-55587167-A-AAGTT.
Other names: c.4364_4367dup, p.Gly1457fs (NM_001142763.2, NM_001142771.2); c.4349_4352dup, p.Gly1452fs (NM_001142764.2, NM_001142770.3, NM_001142772.2 and 3 more transcripts); c.4136_4139dup, p.Gly1381fs (NM_001142765.2); c.4340_4343dup, p.Gly1449fs (NM_001142766.2); c.4229_4232dup, p.Gly1412fs (NM_001142767.2); c.4283_4286dup, p.Gly1430fs (NM_001142768.2, NM_001354404.2); c.4385_4388dup, p.Gly1464Thrfs (NM_001142769.4); c.4274_4277dup, p.Gly1427fs (NM_001142773.2); and 1 more; short protein forms G1381fs, G1412fs, G1457fs, G1449fs, G1430fs, G1452fs, G1459fs, G1427fs.
Identifiers: ClinVar variation 1378092 (VCV001378092.9), dbSNP rs2132576827, ClinGen allele CA2573145212.